The following is an entry in ClinVar:

NM_022124.6(CDH23):c.6547G>A (p.Val2183Met)

Gene: CDH23 (cadherin related 23; plus strand). Cytogenetic location: 10q22.1.
Variant type: single nucleotide variant.
Coding change: c.6547G>A on transcript NM_022124.6 (MANE Select); coding-DNA position 6547, G replaced by A.
Protein change: p.Val2183Met; replaces valine 2183 with methionine.
Molecular consequence: missense variant.
Genome position (GRCh38, 1-based): chr10:71,793,475, G>A. VCF-style: chr10-71793475-G-A. GRCh37 (hg19) VCF-style: chr10-73553232-G-A.
Other names: short protein forms V2183M.
Identifiers: ClinVar variation 497388 (VCV000497388.16), dbSNP rs370794439, ClinGen allele CA5546116.
Genomic context (GRCh38, chr10:71,793,475, plus strand): 5'-CTGATCGATGACATCAATGACTCCCGCCCCGAGTTCCTCAACCCCATCCAGACAGTGAGC[G>A]TGCTGGAGTCGGCTGAGCCAGGCACTGTCATTGCCAATATCACGGCCATTGACCACGACC-3'
Protein context (NP_071407.4, residues 2173-2193): EFLNPIQTVS[Val2183Met]LESAEPGTVI

ClinVar aggregate classification (germline): Uncertain significance. Review status: criteria provided, multiple submitters, no conflicts (2 of 4 stars). 8 submissions from 7 submitters: Uncertain significance (7). 1 of the submissions does not count toward it. Last evaluated 2024-10-21.

Conditions:
Usher syndrome type 1 (USH1). Also called: RETINITIS PIGMENTOSA AND CONGENITAL DEAFNESS. Identifiers: Orphanet 231169, Orphanet 886, MedGen C1568247, MONDO:0010168, OMIM 276900.
Usher syndrome type 1D (USH1D). Also called: USHER SYNDROME, TYPE ID. Identifiers: Orphanet 231169, Orphanet 886, MedGen C1832845, MONDO:0010984, OMIM 601067.
Autosomal recessive nonsyndromic hearing loss 12. Also called: DEAFNESS, AUTOSOMAL RECESSIVE 12. Identifiers: Orphanet 90636, MedGen C1832394, MONDO:0011067, OMIM 601386.

Allele frequency attached by ClinVar (database versions not stated): gnomAD exomes 0.00003 and 0.00005; ExAC 0.00007; gnomAD 0.00013; ESP Exome Variant Server 0.00015; TOPMed 0.00018.
gnomAD v4.1: 73 of 1,613,864 alleles (0.0045%); highest among the groups gnomAD compares: African/African-American, 0.06%; 1 homozygote.

Submissions (8):

Labcorp Genetics (formerly Invitae), Labcorp
Classification: Uncertain significance. Last evaluated: 2024-10-21. Review status: criteria provided, single submitter. Criteria: Invitae Variant Classification Sherloc (09022015). Collection method: clinical testing. Allele origin: germline.
Comment: This sequence change replaces valine, which is neutral and non-polar, with methionine, which is neutral and non-polar, at codon 2183 of the CDH23 protein (p.Val2183Met). This variant is present in population databases (rs370794439, gnomAD 0.05%). This variant has not been reported in the literature in individuals affected with CDH23-related conditions. ClinVar contains an entry for this variant (Variation ID: 497388). Invitae Evidence Modeling of protein sequence and biophysical properties (such as structural, functional, and spatial information, amino acid conservation, physicochemical variation, residue mobility, and thermodynamic stability) has been performed for this missense variant. However, the output from this modeling did not meet the statistical confidence thresholds required to predict the impact of this variant on CDH23 protein function. In summary, the available evidence is currently insufficient to determine the role of this variant in disease. Therefore, it has been classified as a Variant of Uncertain Significance.

GeneDx
Classification: Uncertain significance. Last evaluated: 2024-05-31. Review status: criteria provided, single submitter. Criteria: GeneDx Variant Classification Process June 2021. Collection method: clinical testing. Allele origin: germline. Affected: yes.
Comment: In silico analysis supports that this missense variant has a deleterious effect on protein structure/function; Has not been previously published as pathogenic or benign to our knowledge

Blueprint Genetics
Classification: Uncertain significance. Last evaluated: 2021-12-07. Review status: criteria provided, single submitter. Criteria: ACMG Guidelines, 2015. Collection method: clinical testing. Allele origin: germline.

Illumina Laboratory Services, Illumina
Classification: Uncertain significance for Usher syndrome type 1D. Last evaluated: 2018-01-12. Review status: criteria provided, single submitter. Criteria: ICSL Variant Classification Criteria 13 December 2019. Collection method: clinical testing. Allele origin: germline.

Illumina Laboratory Services, Illumina
Classification: Uncertain significance for Autosomal recessive nonsyndromic hearing loss 12. Last evaluated: 2018-01-12. Review status: criteria provided, single submitter. Criteria: ICSL Variant Classification Criteria 13 December 2019. Collection method: clinical testing. Allele origin: germline.

Eurofins Ntd Llc (ga)
Classification: Uncertain significance. Last evaluated: 2016-10-12. Review status: criteria provided, single submitter. Criteria: EGL Classification Definitions 2015. Collection method: clinical testing. Allele origin: germline. Observed: 1 variant allele, 1 heterozygote.

Breakthrough Genomics
Classification: Uncertain significance. Review status: criteria provided, single submitter. Criteria: ACMG Guidelines, 2015. Collection method: not provided. Allele origin: germline. Inheritance: Autosomal recessive inheritance. Affected: yes.

Natera, Inc.
Classification: Uncertain significance for Usher syndrome type 1. Last evaluated: 2019-10-28. Review status: no assertion criteria provided. Collection method: clinical testing. Allele origin: germline. Not counted in ClinVar's aggregate classification.